The following is an entry in ClinVar:

ClinVar aggregate classification (germline): Uncertain significance (1 of 4 stars; one submission).

Conditions:
Immunodeficiency, common variable, 2 (CVID2). Also called: ANTIBODY DEFICIENCY DUE TO TACI DEFECT; HYPOGAMMAGLOBULINEMIA DUE TO TACI DEFICIENCY. Identifiers: Orphanet 1572, MedGen C3150354, MONDO:0009413, OMIM 240500.

Allele frequency attached by ClinVar (database versions not stated): 1000 Genomes Project 30x 0.00016.
gnomAD v4.1: 26 of 1,614,168 alleles (0.0016%); highest among the groups gnomAD compares: East Asian, 0.058%; no homozygotes.

Submission:

Labcorp Genetics (formerly Invitae), Labcorp
Classification: Uncertain significance for Immunodeficiency, common variable, 2. Last evaluated: 2024-08-02. Review status: criteria provided, single submitter. Criteria: Invitae Variant Classification Sherloc (09022015). Collection method: clinical testing. Allele origin: germline.
Comment: This sequence change replaces glycine, which is neutral and non-polar, with cysteine, which is neutral and slightly polar, at codon 76 of the TNFRSF13B protein (p.Gly76Cys). This variant is present in population databases (rs146436713, gnomAD 0.02%). This missense change has been observed in individual(s) with intracranial aneurysm (PMID: 16618819). ClinVar contains an entry for this variant (Variation ID: 1434171). Advanced modeling of protein sequence and biophysical properties (such as structural, functional, and spatial information, amino acid conservation, physicochemical variation, residue mobility, and thermodynamic stability) performed at Invitae indicates that this missense variant is expected to disrupt TNFRSF13B protein function with a positive predictive value of 80%. In summary, the available evidence is currently insufficient to determine the role of this variant in disease. Therefore, it has been classified as a Variant of Uncertain Significance.

Literature cited by the submitters: PubMed 16618819.

NM_012452.3(TNFRSF13B):c.226G>T (p.Gly76Cys)

Gene: TNFRSF13B (TNF receptor superfamily member 13B; minus strand). Cytogenetic location: 17p11.2.
Variant type: single nucleotide variant.
Coding change: c.226G>T on transcript NM_012452.3 (MANE Select); coding-DNA position 226, G replaced by T.
Protein change: p.Gly76Cys; replaces glycine 76 with cysteine.
Molecular consequence: missense variant.
Genome position (GRCh38, 1-based): chr17:16,948,957, C>A on the plus strand (G>T on the coding strand, the complement: TNFRSF13B is on the minus strand). VCF-style: chr17-16948957-C-A. GRCh37 (hg19) VCF-style: chr17-16852271-C-A.
Other names: short protein forms G76C.
Identifiers: ClinVar variation 1434171 (VCV001434171.7), dbSNP rs146436713, ClinGen allele CA8414065.